The following is an entry in ClinVar:

NM_173628.4(DNAH17):c.12610A>G (p.Ile4204Val)

Gene: DNAH17 (dynein axonemal heavy chain 17; minus strand). Cytogenetic location: 17q25.3.
Variant type: single nucleotide variant.
Coding change: c.12610A>G on transcript NM_173628.4 (MANE Select); coding-DNA position 12610, A replaced by G.
Protein change: p.Ile4204Val; replaces isoleucine 4204 with valine.
Molecular consequence: missense variant.
Genome position (GRCh38, 1-based): chr17:78,427,087, T>C on the plus strand (A>G on the coding strand, the complement: DNAH17 is on the minus strand). VCF-style: chr17-78427087-T-C. GRCh37 (hg19) VCF-style: chr17-76423168-T-C.
Other names: c.12610A>G (NM_173628.3); short protein forms I4204V.
Identifiers: ClinVar variation 3388350 (VCV003388350.15).

ClinVar aggregate classification (germline): Uncertain significance. Review status: criteria provided, multiple submitters, no conflicts (2 of 4 stars). 2 submissions from 2 submitters: Uncertain significance (2). Last evaluated 2024-09-01.

Conditions:
Inborn genetic diseases. Identifiers: MedGen C0950123, MeSH D030342.

gnomAD v4.1: 315 of 1,581,920 alleles (0.02%); highest among the groups gnomAD compares: Non-Finnish European, 0.025%; no homozygotes.

Submissions (2):

CeGaT Center for Human Genetics Tuebingen
Classification: Uncertain significance. Last evaluated: 2024-09-01. Review status: criteria provided, single submitter. Criteria: CeGaT Center For Human Genetics Tuebingen Variant Classification Criteria Version 2. Collection method: clinical testing. Allele origin: germline. Affected: yes. Observed: 1 variant allele.
Comment: DNAH17: PM2:Supporting

Ambry Genetics
Classification: Uncertain significance for Inborn genetic diseases. Last evaluated: 2024-07-02. Review status: criteria provided, single submitter. Criteria: Ambry Variant Classification Scheme 2023. Collection method: clinical testing. Allele origin: germline.